The following is an entry in ClinVar:

ClinVar aggregate classification (germline): Uncertain significance (1 of 4 stars; one submission).

Conditions:
Developmental and epileptic encephalopathy. Identifiers: MedGen C5779964, MONDO:0100620.

Submission:

Labcorp Genetics (formerly Invitae), Labcorp
Classification: Uncertain significance for Early infantile epileptic encephalopathy with suppression bursts. Last evaluated: 2019-08-01. Review status: criteria provided, single submitter. Criteria: Invitae Variant Classification Sherloc (09022015). Collection method: clinical testing. Allele origin: germline.
Comment: This variant is a gross duplication of the genomic region encompassing exons 1-2 of the HCN1 gene. The 5' end of this event is unknown as it extends beyond the assayed region for this gene and therefore may encompass additional genes. The 3' boundary is likely confined to intron 2 of the HCN1 gene. The exact location of this variant in the genome is unknown. This variant is not present in population databases (ExAC no frequency). This variant has not been reported in the literature in individuals with HCN1-related disease. In summary, the available evidence is currently insufficient to determine the role of this variant in disease. Therefore, it has been classified as a Variant of Uncertain Significance.

NC_000005.10:g.(?_45645165)_(45696113_?)dup

Gene: HCN1 (hyperpolarization activated cyclic nucleotide gated potassium channel 1; minus strand). Cytogenetic location: 5p12.
Variant type: Duplication.
Identifiers: ClinVar variation 831161 (VCV000831161.2).